The following is an entry in ClinVar:

NM_001923.5(DDB1):c.1390G>T (p.Ala464Ser)

Gene: DDB1 (damage specific DNA binding protein 1; minus strand). Cytogenetic location: 11q12.2.
Variant type: single nucleotide variant.
Coding change: c.1390G>T on transcript NM_001923.5 (MANE Select); coding-DNA position 1390, G replaced by T.
Protein change: p.Ala464Ser; replaces alanine 464 with serine.
Molecular consequence: missense variant.
Genome position (GRCh38, 1-based): chr11:61,316,305, C>A on the plus strand (G>T on the coding strand, the complement: DDB1 is on the minus strand). VCF-style: chr11-61316305-C-A. GRCh37 (hg19) VCF-style: chr11-61083777-C-A.
Other names: short protein forms A464S.
Identifiers: ClinVar variation 2443529 (VCV002443529.1), dbSNP rs2539673482, ClinGen allele CA380663568.

ClinVar aggregate classification (germline): Uncertain significance (1 of 4 stars; one submission).

Submission:

GeneDx
Classification: Uncertain significance. Last evaluated: 2022-09-09. Review status: criteria provided, single submitter. Criteria: GeneDx Variant Classification Process June 2021. Collection method: clinical testing. Allele origin: germline. Affected: yes.
Comment: Not observed at significant frequency in large population cohorts (gnomAD); In silico analysis supports that this missense variant does not alter protein structure/function; Has not been previously published as pathogenic or benign to our knowledge